The following is an entry in ClinVar:

NM_000138.5(FBN1):c.424G>A (p.Gly142Arg)

Gene: FBN1 (fibrillin 1; minus strand). Cytogenetic location: 15q21.1.
Variant type: single nucleotide variant.
Coding change: c.424G>A on transcript NM_000138.5 (MANE Select); coding-DNA position 424, G replaced by A.
Protein change: p.Gly142Arg; replaces glycine 142 with arginine.
Molecular consequence: missense variant.
Genome position (GRCh38, 1-based): chr15:48,600,157, C>T on the plus strand (G>A on the coding strand, the complement: FBN1 is on the minus strand). VCF-style: chr15-48600157-C-T. GRCh37 (hg19) VCF-style: chr15-48892354-C-T.
Other names: c.424G>A, p.Gly142Arg (NM_001406716.1, NM_001406717.1); short protein forms G142R.
Identifiers: ClinVar variation 2947967 (VCV002947967.4), dbSNP rs2505760959, ClinGen allele CA392446469.

ClinVar aggregate classification (germline): Uncertain significance. Review status: criteria provided, multiple submitters, no conflicts (2 of 4 stars). 2 submissions from 2 submitters: Uncertain significance (2). Last evaluated 2024-11-22.

Conditions:
Marfan syndrome (MFS). Also called: MARFAN SYNDROME, TYPE I; Marfan syndrome type 1; Marfan's syndrome; Marfan syndrome, classic; FBN1-Related Marfan Syndrome. Identifiers: Orphanet 284963, Orphanet 558, MedGen C0024796, MONDO:0007947, OMIM 154700.
Familial thoracic aortic aneurysm and aortic dissection (TAAD). Also called: Thoracic aortic aneurysms and dissections. Identifiers: Orphanet 91387, MedGen C4707243, MONDO:0019625.

Submissions (2):

GeneDx
Classification: Uncertain significance. Last evaluated: 2024-11-22. Review status: criteria provided, single submitter. Criteria: GeneDx Variant Classification Process June 2021. Collection method: clinical testing. Allele origin: germline. Affected: yes.
Comment: Not observed at significant frequency in large population cohorts (gnomAD); In silico analysis supports that this missense variant has a deleterious effect on protein structure/function; Does not affect a cysteine or calcium-binding residue within an EGF-like domain or a TGF-binding protein domain of the FBN1 gene; cysteine substitutions in the EGF-like domains represent the majority of pathogenic missense changes associated with FBN1-related disorders (PMID: 12938084); Has not been previously published as pathogenic or benign to our knowledge; This variant is associated with the following publications: (PMID: 12938084)

Labcorp Genetics (formerly Invitae), Labcorp
Classification: Uncertain significance for Marfan syndrome; Familial thoracic aortic aneurysm and aortic dissection. Last evaluated: 2023-05-19. Review status: criteria provided, single submitter. Criteria: Invitae Variant Classification Sherloc (09022015). Collection method: clinical testing. Allele origin: germline.
Comment: This sequence change replaces glycine, which is neutral and non-polar, with arginine, which is basic and polar, at codon 142 of the FBN1 protein (p.Gly142Arg). In summary, the available evidence is currently insufficient to determine the role of this variant in disease. Therefore, it has been classified as a Variant of Uncertain Significance. Advanced modeling of protein sequence and biophysical properties (such as structural, functional, and spatial information, amino acid conservation, physicochemical variation, residue mobility, and thermodynamic stability) performed at Invitae indicates that this missense variant is expected to disrupt FBN1 protein function. This variant has not been reported in the literature in individuals affected with FBN1-related conditions. This variant is not present in population databases (gnomAD no frequency).